The following is an entry in ClinVar:

NM_144999.4(LRRC45):c.296G>A (p.Arg99Gln)

Gene: LRRC45 (leucine rich repeat containing 45; plus strand). Cytogenetic location: 17q25.3.
Variant type: single nucleotide variant.
Coding change: c.296G>A on transcript NM_144999.4 (MANE Select); coding-DNA position 296, G replaced by A.
Protein change: p.Arg99Gln; replaces arginine 99 with glutamine.
Molecular consequence: missense variant.
Genome position (GRCh38, 1-based): chr17:82,024,706, G>A. VCF-style: chr17-82024706-G-A. GRCh37 (hg19) VCF-style: chr17-79982582-G-A.
Other names: c.296G>A (NM_144999.3); short protein forms R99Q.
Identifiers: ClinVar variation 2313990 (VCV002313990.3), dbSNP rs566234490, ClinGen allele CA8847611.

ClinVar aggregate classification (germline): Uncertain significance. Review status: criteria provided, multiple submitters, no conflicts (2 of 4 stars). 2 submissions from 2 submitters: Uncertain significance (2). Last evaluated 2025-03-12.

Conditions:
LRRC45-related disorder. Also called: LRRC45-related condition.

Allele frequency attached by ClinVar (database versions not stated): gnomAD 0.00002; ExAC 0.00003; TOPMed 0.00003; 1000 Genomes Project 0.00020; 1000 Genomes Project 30x 0.00031.

Submissions (2):

PreventionGenetics, part of Exact Sciences
Classification: Uncertain significance for LRRC45-related condition. Last evaluated: 2025-03-12. Review status: criteria provided, single submitter. Criteria: ACMG Guidelines, 2015. Collection method: clinical testing. Allele origin: germline.
Comment: The LRRC45 c.296G>A variant is predicted to result in the amino acid substitution p.Arg99Gln. To our knowledge, this variant has not been reported in the literature. This variant is reported in 0.013% of alleles in individuals of African descent in gnomAD. At this time, the clinical significance of this variant is uncertain due to the absence of conclusive functional and genetic evidence.

Ambry Genetics
Classification: Uncertain significance. Last evaluated: 2022-09-27. Review status: criteria provided, single submitter. Criteria: Ambry Variant Classification Scheme 2023. Collection method: clinical testing. Allele origin: germline.